The following is an entry in ClinVar:

ClinVar aggregate classification (germline): Uncertain significance (1 of 4 stars; one submission).

Conditions:
Glutamate formiminotransferase deficiency. Also called: Arakawa syndrome 1; Formiminoglutamic aciduria. Identifiers: Orphanet 51208, MedGen C0268609, MONDO:0009240, OMIM 229100.

Submission:

Labcorp Genetics (formerly Invitae), Labcorp
Classification: Uncertain significance for Glutamate formiminotransferase deficiency. Last evaluated: 2022-10-13. Review status: criteria provided, single submitter. Criteria: Invitae Variant Classification Sherloc (09022015). Collection method: clinical testing. Allele origin: germline.
Comment: A copy number gain of the genomic region encompassing the full coding sequence of the FTCD gene has been identified. The boundaries of this event are unknown as they extend beyond the assayed region for this gene and therefore may encompass additional genes. As the precise location of this event is unknown, it may be in tandem or it may be located elsewhere in the genome. This variant has not been reported in the literature in individuals affected with FTCD-related conditions. In summary, the available evidence is currently insufficient to determine the role of this variant in disease. Therefore, it has been classified as a Variant of Uncertain Significance.

NC_000021.9:g.(?_46136967)_(46155543_?)dup

Gene: FTCD (formimidoyltransferase cyclodeaminase; minus strand). Cytogenetic location: 21q22.3.
Variant type: Duplication.
Identifiers: ClinVar variation 831105 (VCV000831105.2).